The following is an entry in ClinVar:

NM_000548.5(TSC2):c.24T>C (p.Asp8=)

Gene: TSC2 (TSC complex subunit 2; plus strand). Cytogenetic location: 16p13.3.
Variant type: single nucleotide variant.
Coding change: c.24T>C on transcript NM_000548.5 (MANE Select); coding-DNA position 24, T replaced by C.
Protein change: p.Asp8=; no amino-acid change (aspartic acid 8 retained).
Molecular consequence: synonymous variant. On other transcripts: non-coding transcript variant (5), intron variant (6), 5 prime UTR variant (19).
Genome position (GRCh38, 1-based): chr16:2,048,639, T>C. VCF-style: chr16-2048639-T-C. GRCh37 (hg19) VCF-style: chr16-2098640-T-C.
Other names: c.-10+574T>C (NM_001406677.1, NM_001406675.1, NM_001406676.1 and 2 more transcripts); c.-89+574T>C (NM_001406686.1); c.24T>C, p.Asp8= (NM_001077183.3, NM_001114382.3, NM_001318827.2 and 13 more transcripts); c.-203T>C (NM_001318831.2, NM_001406682.1, NM_001406684.1 and 2 more transcripts); c.57T>C, p.Asp19= (NM_001318832.2); c.-793T>C (NM_001406680.1, NM_001406683.1, NM_001406687.1); c.-422T>C (NM_001406681.1); c.-1408T>C (NM_001406689.1, NM_001406690.1, NM_001406691.1 and 2 more transcripts); and 4 more.
Identifiers: ClinVar variation 4071348 (VCV004071348.1).

ClinVar aggregate classification (germline): Benign (1 of 4 stars; one submission).

Conditions:
Tuberous sclerosis 2 (TSC2). Identifiers: Orphanet 805, MedGen C1860707, MONDO:0013199, OMIM 613254.

Submission:

Myriad Genetics, Inc.
Classification: Benign for Tuberous sclerosis 2. Last evaluated: 2025-04-30. Review status: criteria provided, single submitter. Criteria: Myriad Autosomal Dominant, Autosomal Recessive and X-Linked Classification Criteria (2023). Collection method: clinical testing. Allele origin: unknown.
Comment: This variant is considered benign. This variant is a silent/synonymous amino acid change and it is not expected to impact splicing.